The following is an entry in ClinVar:

ClinVar aggregate classification (germline): Pathogenic (1 of 4 stars; one submission).

Conditions:
Facial dysmorphism-lens dislocation-anterior segment abnormalities-spontaneous filtering blebs syndrome. Also called: TRABOULSI SYNDROME; Facial dysmorphism, lens dislocation, anterior segment abnormalities, and spontaneous filtering blebs. Identifiers: Orphanet 412022, MedGen C1832167, MONDO:0011106, OMIM 601552.

Submission:

Laboratorio de Genetica e Diagnostico Molecular, Hospital Israelita Albert Einstein
Classification: Pathogenic for Facial dysmorphism-lens dislocation-anterior segment abnormalities-spontaneous filtering blebs syndrome. Last evaluated: 2025-03-21. Review status: criteria provided, single submitter. Criteria: ACMG Guidelines, 2015. Collection method: clinical testing. Allele origin: germline. Affected: yes.
Comment: ACMG classification criteria: PVS1 very strong, PM2 supporting, PM3 supporting

NM_004318.4(ASPH):c.1724G>A (p.Trp575Ter)

Gene: ASPH (aspartate beta-hydroxylase; minus strand). Cytogenetic location: 8q12.3.
Variant type: single nucleotide variant.
Coding change: c.1724G>A on transcript NM_004318.4 (MANE Select); coding-DNA position 1724, G replaced by A.
Protein change: p.Trp575Ter; replaces tryptophan 575 with a stop codon.
Molecular consequence: nonsense.
Genome position (GRCh38, 1-based): chr8:61,548,111, C>T on the plus strand (G>A on the coding strand, the complement: ASPH is on the minus strand). VCF-style: chr8-61548111-C-T. GRCh37 (hg19) VCF-style: chr8-62460670-C-T.
Other names: c.1637G>A, p.Trp546Ter (NM_001164750.2, NM_001413864.1, NM_001413865.1 and 1 more transcripts); c.1724G>A, p.Trp575Ter (NM_001413844.1, NM_001413849.1, NM_001413891.1); c.1769G>A, p.Trp590Ter (NM_001413845.1); c.1766G>A, p.Trp589Ter (NM_001413846.1); c.1667G>A, p.Trp556Ter (NM_001413847.1, NM_001413860.1, NM_001413896.1); c.1727G>A, p.Trp576Ter (NM_001413848.1); c.1721G>A, p.Trp574Ter (NM_001413850.1, NM_001413851.1, NM_001413893.1); c.1712G>A, p.Trp571Ter (NM_001413852.1); and 33 more; short protein forms W357*, W371*, W413*, W416*, W442*, W473*, W488*, W492*.
Identifiers: ClinVar variation 3900997 (VCV003900997.1).